The following is an entry in ClinVar:

ClinVar aggregate classification (germline): Benign/Likely benign. Review status: criteria provided, multiple submitters, no conflicts (2 of 4 stars). 8 submissions from 8 submitters: Benign (5); Likely benign (2). 1 of the submissions does not count toward it. Last evaluated 2026-02-04.

Conditions:
Proteasome-associated autoinflammatory syndrome 3. Identifiers: MedGen C4747850, MONDO:0054699, OMIM 617591.
PSMB4-related disorder. Also called: PSMB4-related condition.

Allele frequency attached by ClinVar (database versions not stated): ESP Exome Variant Server 0.14616; gnomAD 0.15159 and 0.15717; TOPMed 0.16180; gnomAD exomes 0.17860 and 0.19815; 1000 Genomes Project 30x 0.18910; 1000 Genomes Project 0.19209; ExAC 0.19366.
gnomAD v4.1: 283,347 of 1,608,884 alleles (18%); highest among the groups gnomAD compares: East Asian, 33%; 26,712 homozygotes.

Submissions (8):

Labcorp Genetics (formerly Invitae), Labcorp
Classification: Benign. Last evaluated: 2026-02-04. Review status: criteria provided, single submitter. Criteria: Invitae Variant Classification Sherloc (09022015). Collection method: clinical testing. Allele origin: germline.

Women's Health and Genetics/Laboratory Corporation of America, LabCorp
Classification: Likely benign. Last evaluated: 2026-01-21. Review status: criteria provided, single submitter. Criteria: LabCorp Variant Classification Summary - May 2015. Collection method: clinical testing. Allele origin: germline.

Blueprint Genetics
Classification: Likely benign. Last evaluated: 2024-11-26. Review status: criteria provided, single submitter. Criteria: ACMG Guidelines, 2015. Collection method: clinical testing. Allele origin: germline.

Unidad de Genómica Garrahan, Hospital de Pediatría Garrahan
Classification: Benign. Last evaluated: 2023-11-12. Review status: criteria provided, single submitter. Criteria: ACMG Guidelines, 2015. Collection method: clinical testing. Allele origin: germline. Affected: no. Observed: 24 variant alleles.
Comment: This variant is classified as Benign based on local population frequency. This variant was detected in 25% of patients studied by a panel of primary immunodeficiencies. Number of patients: 24. Only high quality variants are reported.

Mayo Clinic Laboratories, Mayo Clinic
Classification: Benign. Last evaluated: 2023-08-25. Review status: criteria provided, single submitter. Criteria: ACMG Guidelines, 2015. Collection method: clinical testing. Allele origin: germline. Observed: 147 variant alleles.
Comment: BA1, BS2

Genome-Nilou Lab
Classification: Benign for Proteasome-associated autoinflammatory syndrome 3. Last evaluated: 2021-10-25. Review status: criteria provided, single submitter. Criteria: ACMG Guidelines, 2015. Collection method: clinical testing. Allele origin: germline. Affected: no.

Breakthrough Genomics
Classification: Benign. Review status: criteria provided, single submitter. Criteria: ACMG Guidelines, 2015. Collection method: not provided. Allele origin: germline. Inheritance: Autosomal recessive inheritance. Affected: yes.

PreventionGenetics, part of Exact Sciences
Classification: Benign for PSMB4-related condition. Last evaluated: 2019-10-21. Review status: no assertion criteria provided. Collection method: clinical testing. Allele origin: germline. Not counted in ClinVar's aggregate classification.
Comment: This variant is classified as benign based on ACMG/AMP sequence variant interpretation guidelines (Richards et al. 2015 PMID: 25741868, with internal and published modifications).

NM_002796.3(PSMB4):c.701T>C (p.Ile234Thr)

Gene: PSMB4 (proteasome 20S subunit beta 4; plus strand). Cytogenetic location: 1q21.3.
Variant type: single nucleotide variant.
Coding change: c.701T>C on transcript NM_002796.3 (MANE Select); coding-DNA position 701, T replaced by C.
Protein change: p.Ile234Thr; replaces isoleucine 234 with threonine.
Molecular consequence: missense variant.
Genome position (GRCh38, 1-based): chr1:151,401,549, T>C. VCF-style: chr1-151401549-T-C. GRCh37 (hg19) VCF-style: chr1-151374025-T-C.
Other names: p.Ile234Thr; c.701T>C (NM_002796.2); short protein forms I234T.
Identifiers: ClinVar variation 1166562 (VCV001166562.19), dbSNP rs4603, ClinGen allele CA1090772.